The following is an entry in ClinVar:

ClinVar aggregate classification (germline): Conflicting classifications of pathogenicity. Review status: criteria provided, conflicting classifications (1 of 4 stars). 3 submissions from 3 submitters: Uncertain significance (1); Likely benign (2). Last evaluated 2025-12-10.

Conditions:
Wilson disease (WND). Also called: Wilson's disease. Identifiers: Orphanet 905, MedGen C0019202, MONDO:0010200, OMIM 277900. Disease mechanism: loss of function.

Submissions (3):

Labcorp Genetics (formerly Invitae), Labcorp
Classification: Likely benign for Wilson disease. Last evaluated: 2025-12-10. Review status: criteria provided, single submitter. Criteria: Invitae Variant Classification Sherloc (09022015). Collection method: clinical testing. Allele origin: germline.

Color Diagnostics, LLC DBA Color Health
Classification: Likely benign for Wilson disease. Last evaluated: 2025-06-17. Review status: criteria provided, single submitter. Criteria: ACMG Guidelines, 2015. Collection method: clinical testing. Allele origin: germline.

Centre for Mendelian Genomics, University Medical Centre Ljubljana
Classification: Uncertain significance for Wilson disease. Last evaluated: 2019-07-05. Review status: criteria provided, single submitter. Criteria: ACMG Guidelines, 2015. Collection method: clinical testing. Allele origin: unknown. Affected: yes.
Comment: This variant was classified as: Uncertain significance. The available evidence on this variant's pathogenicity is insufficient or conflicting. The following ACMG criteria were applied in classifying this variant: PM2.

NM_000053.4(ATP7B):c.2356-16del

Gene: ATP7B (ATPase copper transporting beta; minus strand). Cytogenetic location: 13q14.3.
Variant type: Deletion.
Coding change: c.2356-16del on transcript NM_000053.4 (MANE Select); 16 bases into the intron before coding-DNA position 2356, one base deleted (T; older notation c.2356-16delT).
Molecular consequence: intron variant.
Genome position (GRCh38, 1-based): chr13:51,957,623, A deleted on the plus strand (T on the coding strand, the reverse complement: ATP7B is on the minus strand); the first of 2 consecutive A bases (chr13:51,957,623-51,957,624); deleting either gives the same sequence. VCF-style (leftmost placement, unchanged base first): chr13-51957622-GA-G. GRCh37 (hg19) VCF-style: chr13-52531758-GA-G.
Other names: c.2023-16del (NM_001243182.2); c.1870-16del (NM_001005918.3); c.2104-16del (NM_001330579.2); c.2122-16del (NM_001330578.2).
Identifiers: ClinVar variation 931752 (VCV000931752.11), dbSNP rs1257703465, ClinGen allele CA698894124.